The following is an entry in ClinVar:

NM_170707.4(LMNA):c.1323C>T (p.Ala441=)

Gene: LMNA (lamin A/C; plus strand). Cytogenetic location: 1q22.
Variant type: single nucleotide variant.
Coding change: c.1323C>T on transcript NM_170707.4 (MANE Select); coding-DNA position 1323, C replaced by T.
Protein change: p.Ala441=; no amino-acid change (alanine 441 retained).
Molecular consequence: synonymous variant.
Genome position (GRCh38, 1-based): chr1:156,136,379, C>T. VCF-style: chr1-156136379-C-T. GRCh37 (hg19) VCF-style: chr1-156106170-C-T.
Other names: c.987C>T, p.Ala329= (NM_001257374.3); c.1080C>T, p.Ala360= (NM_001282624.2); c.1323C>T, p.Ala441= (NM_001282625.2, NM_001282626.2, NM_005572.4 and 1 more transcripts).
Identifiers: ClinVar variation 926456 (VCV000926456.14), dbSNP rs140194535, ClinGen allele CA421258126.

ClinVar aggregate classification (germline): Likely benign. Review status: criteria provided, multiple submitters, no conflicts (2 of 4 stars). 4 submissions from 4 submitters: Likely benign (4). Last evaluated 2026-03-19.

Conditions:
Cardiovascular phenotype. Identifiers: MedGen CN230736.
Cardiomyopathy (CMYO). Also called: Cardiomyopathies. Identifiers: Orphanet 167848, MedGen C0878544, MONDO:0004994, HP:0001638. Inheritance: Various modes of inheritance.
Charcot-Marie-Tooth disease type 2. Also called: Charcot-Marie-Tooth type 2. Identifiers: Orphanet 64746, MedGen C0270914, MONDO:0018993.
Primary dilated cardiomyopathy (DCM). Also called: Dilated Cardiomyopathy. Identifiers: Orphanet 217604, MedGen C0007193, MeSH D002311, MONDO:0005021, HP:0001644. Inheritance: Various modes of inheritance.

Allele frequency attached by ClinVar (database versions not stated): TOPMed 0.00001; gnomAD exomes 0.00001.
gnomAD v4.1: 22 of 1,611,356 alleles (0.0014%); highest among the groups gnomAD compares: South Asian, 0.0055%; no homozygotes.

Submissions (4):

Ambry Genetics
Classification: Likely benign for Cardiovascular phenotype. Last evaluated: 2026-03-19. Review status: criteria provided, single submitter. Criteria: Ambry Variant Classification Scheme 2023. Collection method: clinical testing. Allele origin: germline.

Labcorp Genetics (formerly Invitae), Labcorp
Classification: Likely benign for Charcot-Marie-Tooth disease type 2. Last evaluated: 2025-04-08. Review status: criteria provided, single submitter. Criteria: Invitae Variant Classification Sherloc (09022015). Collection method: clinical testing. Allele origin: germline.

All of Us Research Program, National Institutes of Health
Classification: Likely benign for Primary dilated cardiomyopathy. Last evaluated: 2023-08-15. Review status: criteria provided, single submitter. Criteria: ACMG Guidelines, 2015. Collection method: clinical testing. Allele origin: germline. Inheritance: Autosomal dominant inheritance. Observed: 1 variant allele, 1 heterozygote.
Comment: This study involves interpretation of variants in research participants for the purpose of population health screening. Participant phenotype was not available at the time of variant classification. Additional details can be found in publication PMID: 35346344, PMCID: PMC8962531

Color Diagnostics, LLC DBA Color Health
Classification: Likely benign for Cardiomyopathy. Last evaluated: 2019-08-14. Review status: criteria provided, single submitter. Criteria: ACMG Guidelines, 2015. Collection method: clinical testing. Allele origin: germline.